The following is an entry in ClinVar:

ClinVar aggregate classification (germline): Uncertain significance (1 of 4 stars; one submission).

Submission:

GeneDx
Classification: Uncertain significance. Last evaluated: 2024-06-17. Review status: criteria provided, single submitter. Criteria: GeneDx Variant Classification Process June 2021. Collection method: clinical testing. Allele origin: germline. Affected: yes.
Comment: Not observed at significant frequency in large population cohorts (gnomAD); In silico analysis supports that this missense variant does not alter protein structure/function; Has not been previously published as pathogenic or benign to our knowledge

NM_006015.6(ARID1A):c.4693A>G (p.Thr1565Ala)

Gene: ARID1A (AT-rich interaction domain 1A; plus strand). Cytogenetic location: 1p36.11.
Variant type: single nucleotide variant.
Coding change: c.4693A>G on transcript NM_006015.6 (MANE Select); coding-DNA position 4693, A replaced by G.
Protein change: p.Thr1565Ala; replaces threonine 1565 with alanine.
Molecular consequence: missense variant. On other transcripts: intron variant (1).
Genome position (GRCh38, 1-based): chr1:26,774,920, A>G. VCF-style: chr1-26774920-A-G. GRCh37 (hg19) VCF-style: chr1-27101411-A-G.
Other names: c.4102-60A>G (NM_139135.4); short protein forms T1565A.
Identifiers: ClinVar variation 3391494 (VCV003391494.1).